The following is an entry in ClinVar:

ClinVar aggregate classification (germline): Uncertain significance (1 of 4 stars; one submission).

Conditions:
Hereditary cancer-predisposing syndrome. Also called: Hereditary neoplastic syndrome; Neoplastic Syndromes, Hereditary; Tumor predisposition; Hereditary Cancer Syndrome. Identifiers: Orphanet 140162, MedGen C0027672, MeSH D009386, MONDO:0015356.

Submission:

Ambry Genetics
Classification: Uncertain significance for Hereditary cancer-predisposing syndrome. Last evaluated: 2025-01-28. Review status: criteria provided, single submitter. Criteria: Ambry Variant Classification Scheme 2023. Collection method: clinical testing. Allele origin: germline.
Comment: The c.486_488delGCGinsACA variant (also known as p.R163Q), located in coding exon 7 of the BAP1 gene, results from an in-frame deletion of GCG and insertion of ACA at nucleotide positions 486 to 488. This results in the substitution of the arginine residue for a glutamine residue at codon 163, an amino acid with highly similar properties. This amino acid position is highly conserved in available vertebrate species. In addition, the in silico prediction for this alteration is inconclusive (Choi Y et al. PLoS ONE. 2012; 7(10):e46688). Based on the available evidence, the clinical significance of this variant remains unclear.

NM_004656.4(BAP1):c.486_488delinsACA (p.Arg163Gln)

Gene: BAP1 (BRCA1 associated deubiquitinase 1; minus strand). Cytogenetic location: 3p21.1.
Variant type: Indel.
Coding change: c.486_488delinsACA on transcript NM_004656.4 (MANE Select); coding-DNA positions 486 to 488, GCG replaced by ACA.
Protein change: p.Arg163Gln; replaces arginine 163 with glutamine.
Molecular consequence: missense variant.
Genome position (GRCh38, 1-based): chr3:52,407,266-52,407,268, CGC replaced by TGT on the plus strand (GCG replaced by ACA on the coding strand, the reverse complement: BAP1 is on the minus strand). VCF-style: chr3-52407266-CGC-TGT. GRCh37 (hg19) VCF-style: chr3-52441282-CGC-TGT.
Other names: c.486_488delinsACA, p.Arg163Gln (NM_001410772.1); short protein forms R163Q.
Identifiers: ClinVar variation 3818991 (VCV003818991.1).